The following is an entry in ClinVar:

NM_017649.5(CNNM2):c.1601del (p.Met534fs)

Gene: CNNM2 (cyclin and CBS domain divalent metal cation transport mediator 2; plus strand). Cytogenetic location: 10q24.32.
Variant type: Deletion.
Coding change: c.1601del on transcript NM_017649.5 (MANE Select); coding-DNA position 1601, one base deleted (T; older notation c.1601delT).
Protein change: p.Met534fs; shifts the reading frame from methionine 534.
Molecular consequence: frameshift variant.
Genome position (GRCh38, 1-based): chr10:102,920,081, T deleted. VCF-style (leftmost placement, unchanged base first): chr10-102920080-AT-A. GRCh37 (hg19) VCF-style: chr10-104679837-AT-A.
Other names: c.1601del, p.Met534fs (NM_199076.3, NM_199077.3); short protein forms M534fs.
Identifiers: ClinVar variation 2024104 (VCV002024104.4), dbSNP rs2493377590, ClinGen allele CA2580081210.
Genomic context (GRCh38, chr10:102,920,080, plus strand): 5'-ATCACCAAATTTTATAACCACCCCTTGCACTTTGTTTTCAATGACACCAAGTTGGACGCT[AT>A]GCTGGAAGAATTTAAGAAAGGTGGGAAATTTTGGTCTCTTTCATTGGCTTGCTCTTTCTC-3'

ClinVar aggregate classification (germline): Pathogenic (1 of 4 stars; one submission).

Submission:

Labcorp Genetics (formerly Invitae), Labcorp
Classification: Pathogenic. Last evaluated: 2024-04-25. Review status: criteria provided, single submitter. Criteria: Invitae Variant Classification Sherloc (09022015). Collection method: clinical testing. Allele origin: germline.
Comment: This sequence change creates a premature translational stop signal (p.Met534Serfs*18) in the CNNM2 gene. It is expected to result in an absent or disrupted protein product. Loss-of-function variants in CNNM2 are known to be pathogenic (PMID: 21397062, 24699222). This variant is not present in population databases (gnomAD no frequency). This variant has not been reported in the literature in individuals affected with CNNM2-related conditions. ClinVar contains an entry for this variant (Variation ID: 2024104). For these reasons, this variant has been classified as Pathogenic.

Literature cited by the submitters: PubMed 21397062; PubMed 24699222.